The following is an entry in ClinVar:

ClinVar aggregate classification (germline): Uncertain significance (1 of 4 stars; one submission).

gnomAD v4.1: 1 of 1,611,950 alleles (0.000062%); highest among the groups gnomAD compares: Non-Finnish European, 0.000085%; no homozygotes.

Submission:

GeneDx
Classification: Uncertain significance. Last evaluated: 2025-03-17. Review status: criteria provided, single submitter. Criteria: GeneDx Variant Classification Process June 2021. Collection method: clinical testing. Allele origin: germline.
Comment: Not observed at significant frequency in large population cohorts (gnomAD); In silico analysis supports that this missense variant has a deleterious effect on protein structure/function; Has not been previously published as pathogenic or benign to our knowledge

NM_016284.5(CNOT1):c.6938T>C (p.Ile2313Thr)

Genes: CNOT1 (CCR4-NOT transcription complex subunit 1; minus strand), SETD6 (SET domain containing 6, protein lysine methyltransferase; plus strand). Cytogenetic location: 16q21.
Variant type: single nucleotide variant.
Coding change: c.6938T>C on transcript NM_016284.5 (MANE Select); coding-DNA position 6938, T replaced by C.
Protein change: p.Ile2313Thr; replaces isoleucine 2313 with threonine.
Molecular consequence: missense variant. On other transcripts: non-coding transcript variant (1), 3 prime UTR variant (1).
Genome position (GRCh38, 1-based): chr16:58,521,297, A>G on the plus strand (T>C on the coding strand, the complement: CNOT1 is on the minus strand). VCF-style: chr16-58521297-A-G. GRCh37 (hg19) VCF-style: chr16-58555201-A-G.
Other names: c.6923T>C, p.Ile2308Thr (NM_001265612.2); c.*2268A>G (NM_001160305.4); short protein forms I2308T, I2313T.
Identifiers: ClinVar variation 3731037 (VCV003731037.2).